The following is an entry in ClinVar:

ClinVar aggregate classification (germline): Uncertain significance. Review status: criteria provided, multiple submitters, no conflicts (2 of 4 stars). 2 submissions from 2 submitters: Uncertain significance (2). Last evaluated 2026-09-24.

Allele frequency attached by ClinVar (database versions not stated): gnomAD 0.00011 and 0.00009; gnomAD exomes 0.00003 and 0.00009; ExAC 0.00006; TOPMed 0.00012.

Submissions (2):

GeneDx
Classification: Uncertain significance. Last evaluated: 2026-09-24. Review status: criteria provided, single submitter. Criteria: GeneDx Variant Classification Process June 2021. Collection method: clinical testing. Allele origin: germline.
Comment: In silico analysis supports that this missense variant has a deleterious effect on protein structure/function; Has not been previously published as pathogenic or benign to our knowledge

Blueprint Genetics
Classification: Uncertain significance. Last evaluated: 2023-04-06. Review status: criteria provided, single submitter. Criteria: ACMG Guidelines, 2015. Collection method: clinical testing. Allele origin: germline.

NM_001292063.2(OTOG):c.1697C>G (p.Pro566Arg)

Gene: OTOG (otogelin; plus strand). Cytogenetic location: 11p15.1.
Variant type: single nucleotide variant.
Coding change: c.1697C>G on transcript NM_001292063.2 (MANE Select); coding-DNA position 1697, C replaced by G.
Protein change: p.Pro566Arg; replaces proline 566 with arginine.
Molecular consequence: missense variant.
Genome position (GRCh38, 1-based): chr11:17,569,208, C>G. VCF-style: chr11-17569208-C-G. GRCh37 (hg19) VCF-style: chr11-17590755-C-G.
Other names: c.1733C>G, p.Pro578Arg (NM_001277269.2); short protein forms P566R, P578R.
Identifiers: ClinVar variation 1700402 (VCV001700402.5), dbSNP rs765026050, ClinGen allele CA5905522.